The following is an entry in ClinVar:

NM_000088.4(COL1A1):c.4038C>G (p.Ala1346=)

Gene: COL1A1 (collagen type I alpha 1 chain; minus strand). Cytogenetic location: 17q21.33.
Variant type: single nucleotide variant.
Coding change: c.4038C>G on transcript NM_000088.4 (MANE Select); coding-DNA position 4038, C replaced by G.
Protein change: p.Ala1346=; no amino-acid change (alanine 1346 retained).
Molecular consequence: synonymous variant.
Genome position (GRCh38, 1-based): chr17:50,185,988, G>C on the plus strand (C>G on the coding strand, the complement: COL1A1 is on the minus strand). VCF-style: chr17-50185988-G-C. GRCh37 (hg19) VCF-style: chr17-48263349-G-C.
Identifiers: ClinVar variation 4820390 (VCV004820390.2).

ClinVar aggregate classification (germline): Likely benign. Review status: criteria provided, multiple submitters, no conflicts (2 of 4 stars). 2 submissions from 2 submitters: Likely benign (2). Last evaluated 2026-09-01.

Submissions (2):

CeGaT Center for Human Genetics Tuebingen
Classification: Likely benign. Last evaluated: 2026-09-01. Review status: criteria provided, single submitter. Criteria: CeGaT Center For Human Genetics Tuebingen Variant Classification Criteria Version 2. Collection method: clinical testing. Allele origin: germline. Affected: yes. Observed: 1 variant allele.
Comment: COL1A1: PM2:Supporting, BP4, BP7

Molecular Diagnostic Laboratory for Inherited Cardiovascular Disease, Montreal Heart Institute
Classification: Likely benign. Last evaluated: 2026-03-27. Review status: criteria provided, single submitter. Criteria: ACMG Guidelines, 2015. Collection method: clinical testing. Allele origin: germline. Affected: no.
Comment: BP7